The following is an entry in ClinVar:

ClinVar aggregate classification (germline): Uncertain significance (0 of 4 stars; one submission).

Conditions:
SND1-related disorder. Also called: SND1-related condition.

Allele frequency attached by ClinVar (database versions not stated): gnomAD exomes below 0.00001; TOPMed below 0.00001.
gnomAD v4.1: 2 of 1,613,886 alleles (0.00012%); highest among the groups gnomAD compares: Non-Finnish European, 0.00017%; no homozygotes.

Submission:

PreventionGenetics, part of Exact Sciences
Classification: Uncertain significance for SND1-related condition. Last evaluated: 2024-02-01. Review status: no assertion criteria provided. Collection method: clinical testing. Allele origin: germline.
Comment: The SND1 c.1694G>A variant is predicted to result in the amino acid substitution p.Arg565Gln. To our knowledge, this variant has not been reported in the literature or in a large population database, indicating this variant is rare. At this time, the clinical significance of this variant is uncertain due to the absence of conclusive functional and genetic evidence.

NM_014390.4(SND1):c.1694G>A (p.Arg565Gln)

Gene: SND1 (staphylococcal nuclease and tudor domain containing 1; plus strand). Cytogenetic location: 7q32.1.
Variant type: single nucleotide variant.
Coding change: c.1694G>A on transcript NM_014390.4 (MANE Select); coding-DNA position 1694, G replaced by A.
Protein change: p.Arg565Gln; replaces arginine 565 with glutamine.
Molecular consequence: missense variant.
Genome position (GRCh38, 1-based): chr7:127,990,971, G>A. VCF-style: chr7-127990971-G-A. GRCh37 (hg19) VCF-style: chr7-127631024-G-A.
Other names: short protein forms R565Q.
Identifiers: ClinVar variation 3030890 (VCV003030890.2), dbSNP rs1802509838, ClinGen allele CA369436938.